The following is an entry in ClinVar:

NM_001903.5(CTNNA1):c.1885G>A (p.Val629Met)

Gene: CTNNA1 (catenin alpha 1; plus strand). Cytogenetic location: 5q31.2.
Variant type: single nucleotide variant.
Coding change: c.1885G>A on transcript NM_001903.5 (MANE Select); coding-DNA position 1885, G replaced by A.
Protein change: p.Val629Met; replaces valine 629 with methionine.
Molecular consequence: missense variant.
Genome position (GRCh38, 1-based): chr5:138,925,393, G>A. VCF-style: chr5-138925393-G-A. GRCh37 (hg19) VCF-style: chr5-138261082-G-A.
Other names: c.775G>A, p.Val259Met (NM_001324003.1, NM_001324004.1, NM_001324005.1 and 17 more transcripts); c.436G>A, p.Val146Met (NM_001324006.1, NM_001324007.1, NM_001324008.1 and 2 more transcripts); c.682G>A, p.Val228Met (NM_001324011.1); c.532G>A, p.Val178Met (NM_001324012.1, NM_001324013.1); c.1885G>A, p.Val629Met (NM_001290307.3, NM_001323982.2, NM_001323983.1 and 2 more transcripts); c.1576G>A, p.Val526Met (NM_001290309.3); c.1516G>A, p.Val506Met (NM_001290310.3); c.1792G>A, p.Val598Met (NM_001323986.2); short protein forms V146M, V259M, V506M, V526M, V629M, V178M, V228M, V598M.
Identifiers: ClinVar variation 2116773 (VCV002116773.4), dbSNP rs2150295866, ClinGen allele CA361132419.
Genomic context (GRCh38, chr5:138,925,393, plus strand): 5'-AATGAGTTTATCGATGCTTCCCGCCTGGTATATGATGGCATCCGGGACATCAGGAAAGCA[G>A]TGCTGATGATAAGGGTGAGTAACTGCATTTCAGACGTCTTAACAGCTTCTTTCTTATCAT-3'
Protein context (NP_001894.2, residues 619-639): YDGIRDIRKA[Val629Met]LMIRTPEELD

ClinVar aggregate classification (germline): Uncertain significance (1 of 4 stars; one submission).

Allele frequency attached by ClinVar (database versions not stated): gnomAD exomes below 0.00001.
gnomAD v4.1: 1 of 1,614,154 alleles (0.000062%); highest among the groups gnomAD compares: South Asian, 0.0011%; no homozygotes.

Submission:

Labcorp Genetics (formerly Invitae), Labcorp
Classification: Uncertain significance. Last evaluated: 2024-06-17. Review status: criteria provided, single submitter. Criteria: Invitae Variant Classification Sherloc (09022015). Collection method: clinical testing. Allele origin: germline.
Comment: This sequence change replaces valine, which is neutral and non-polar, with methionine, which is neutral and non-polar, at codon 629 of the CTNNA1 protein (p.Val629Met). This variant is not present in population databases (gnomAD no frequency). This variant has not been reported in the literature in individuals affected with CTNNA1-related conditions. ClinVar contains an entry for this variant (Variation ID: 2116773). Advanced modeling of protein sequence and biophysical properties (such as structural, functional, and spatial information, amino acid conservation, physicochemical variation, residue mobility, and thermodynamic stability) performed at Invitae indicates that this missense variant is expected to disrupt CTNNA1 protein function with a positive predictive value of 80%. In summary, the available evidence is currently insufficient to determine the role of this variant in disease. Therefore, it has been classified as a Variant of Uncertain Significance.